The following is an entry in ClinVar:

ClinVar aggregate classification (germline): Pathogenic (1 of 4 stars; one submission).

Conditions:
Wiedemann-Steiner syndrome (WDSTS). Also called: Growth deficiency and mental retardation with facial dysmorphism. Identifiers: Orphanet 319182, MedGen C1854630, MONDO:0011518, OMIM 605130.

Submission:

Victorian Clinical Genetics Services, Murdoch Childrens Research Institute
Classification: Pathogenic for Wiedemann-Steiner syndrome. Last evaluated: 2026-04-22. Review status: criteria provided, single submitter. Criteria: ACMG Guidelines, 2015. Collection method: clinical testing. Allele origin: germline. Affected: yes.
Comment: This variant is classified as Pathogenic. Evidence in support of pathogenic classification: Variant is predicted to cause nonsense-mediated decay (NMD) and loss of protein (premature termination codon is located at least 54 nucleotides upstream of the final exon-exon junction); Variant is absent from gnomAD (v2, v3 and v4); Other NMD predicted variant(s) comparable to the one identified in this case have very strong previous evidence for pathogenicity (DECIPHER). Additional information: This variant is heterozygous; This gene is associated with autosomal dominant disease; This variant has no previous evidence of pathogenicity; No published evidence of segregation with disease has been identified for this variant; No published functional evidence has been identified for this variant; Loss of function is a known mechanism of disease in this gene and is associated with Wiedemann-Steiner syndrome (MIM#605130). - Inheritance information for this variant is not currently available in this individual.

NM_001197104.2(KMT2A):c.10347del (p.Asp3450fs)

Gene: KMT2A (lysine methyltransferase 2A; plus strand). Cytogenetic location: 11q23.3.
Variant type: Deletion.
Coding change: c.10347del on transcript NM_001197104.2 (MANE Select); coding-DNA position 10347, one base deleted (A; older notation c.10347delA).
Protein change: p.Asp3450fs; shifts the reading frame from aspartic acid 3450.
Molecular consequence: frameshift variant.
Genome position (GRCh38, 1-based): chr11:118,506,239, A deleted. VCF-style (leftmost placement, unchanged base first): chr11-118506238-CA-C. GRCh37 (hg19) VCF-style: chr11-118376953-CA-C.
Other names: c.10437del, p.Asp3480fs (NM_001412597.1); c.10338del, p.Asp3447fs (NM_005933.4); short protein forms D3447fs, D3450fs, D3480fs.
Identifiers: ClinVar variation 4879667 (VCV004879667.1).